The following is an entry in ClinVar:

ClinVar aggregate classification (germline): Uncertain significance (1 of 4 stars; one submission).

Conditions:
Early-infantile DEE. Also called: Early infantile epileptic encephalopathy; Early infantile epileptic encephalopathy with suppression bursts; Ohtahara syndrome. Identifiers: Orphanet 1934, MedGen C0393706, MONDO:0800491.

Submission:

Labcorp Genetics (formerly Invitae), Labcorp
Classification: Uncertain significance for Early-infantile DEE. Last evaluated: 2024-10-24. Review status: criteria provided, single submitter. Criteria: Invitae Variant Classification Sherloc (09022015). Collection method: clinical testing. Allele origin: germline.
Comment: This sequence change replaces proline, which is neutral and non-polar, with arginine, which is basic and polar, at codon 245 of the SLC25A22 protein (p.Pro245Arg). This variant is not present in population databases (gnomAD no frequency). This variant has not been reported in the literature in individuals affected with SLC25A22-related conditions. ClinVar contains an entry for this variant (Variation ID: 2108184). Invitae Evidence Modeling of protein sequence and biophysical properties (such as structural, functional, and spatial information, amino acid conservation, physicochemical variation, residue mobility, and thermodynamic stability) indicates that this missense variant is expected to disrupt SLC25A22 protein function with a positive predictive value of 80%. In summary, the available evidence is currently insufficient to determine the role of this variant in disease. Therefore, it has been classified as a Variant of Uncertain Significance.

NM_001191061.2(SLC25A22):c.734C>G (p.Pro245Arg)

Gene: SLC25A22 (solute carrier family 25 member 22; minus strand). Cytogenetic location: 11p15.5.
Variant type: single nucleotide variant.
Coding change: c.734C>G on transcript NM_001191061.2 (MANE Select); coding-DNA position 734, C replaced by G.
Protein change: p.Pro245Arg; replaces proline 245 with arginine.
Molecular consequence: missense variant.
Genome position (GRCh38, 1-based): chr11:792,312, G>C on the plus strand (C>G on the coding strand, the complement: SLC25A22 is on the minus strand). VCF-style: chr11-792312-G-C. GRCh37 (hg19) VCF-style: chr11-792312-G-C.
Other names: c.734C>G, p.Pro245Arg (NM_001191060.2, NM_024698.6); short protein forms P245R.
Identifiers: ClinVar variation 2108184 (VCV002108184.4), dbSNP rs1565035464, ClinGen allele CA378968582.